The following is an entry in ClinVar:

ClinVar aggregate classification (germline): Pathogenic (1 of 4 stars; one submission).

Conditions:
Autosomal recessive nonsyndromic hearing loss 21. Identifiers: Orphanet 90636, MedGen C1863655, MONDO:0011351, OMIM 603629.

Submission:

Institute of Rare Diseases, West China Hospital, Sichuan University
Classification: Pathogenic for Autosomal recessive nonsyndromic hearing loss 21. Last evaluated: 2025-01-09. Review status: criteria provided, single submitter. Criteria: ClinGen HL ACMG Specifications v1. Collection method: research. Allele origin: germline. Affected: yes.
Comment: PVS1;PM3;PM2_Supporting

NM_005422.4(TECTA):c.3013del (p.Leu1005fs)

Genes: TECTA (tectorin alpha; plus strand), TBCEL-TECTA (TBCEL-TECTA readthrough; plus strand). Cytogenetic location: 11q23.3.
Variant type: Deletion.
Coding change: c.3013del on transcript NM_005422.4 (MANE Select); coding-DNA position 3013, one base deleted (C; older notation c.3013delC).
Protein change: p.Leu1005fs; shifts the reading frame from leucine 1005.
Molecular consequence: frameshift variant.
Genome position (GRCh38, 1-based): chr11:121,137,492, C deleted; the last of 3 consecutive C bases (chr11:121,137,490-121,137,492); deleting any one gives the same sequence. VCF-style (leftmost placement, unchanged base first): chr11-121137489-AC-A. GRCh37 (hg19) VCF-style: chr11-121008198-AC-A.
Other names: c.3970del, p.Leu1324fs (NM_001378761.1); short protein forms L1005fs, L1324fs.
Identifiers: ClinVar variation 3601870 (VCV003601870.1).